The following is an entry in ClinVar:

ClinVar aggregate classification (germline): Uncertain significance. Review status: criteria provided, multiple submitters, no conflicts (2 of 4 stars). 2 submissions from 2 submitters: Uncertain significance (2). Last evaluated 2025-07-09.

Conditions:
Nemaline myopathy 6 (NEM6). Also called: Nemaline myopathy 6, autosomal dominant. Identifiers: Orphanet 171439, MedGen C1836472, MONDO:0012237, OMIM 609273.
Inborn genetic diseases. Identifiers: MedGen C0950123, MeSH D030342.

Allele frequency attached by ClinVar (database versions not stated): TOPMed 0.00001.
gnomAD v4.1: 9 of 1,498,320 alleles (0.0006%); highest among the groups gnomAD compares: Middle Eastern, 0.019%; no homozygotes.

Submissions (2):

Labcorp Genetics (formerly Invitae), Labcorp
Classification: Uncertain significance for Nemaline myopathy 6. Last evaluated: 2025-07-09. Review status: criteria provided, single submitter. Criteria: Invitae Variant Classification Sherloc (09022015). Collection method: clinical testing. Allele origin: germline.
Comment: This sequence change replaces alanine, which is neutral and non-polar, with valine, which is neutral and non-polar, at codon 74 of the KBTBD13 protein (p.Ala74Val). The frequency data for this variant in the population databases is considered unreliable, as metrics indicate poor data quality at this position in the gnomAD database. This variant has not been reported in the literature in individuals affected with KBTBD13-related conditions. ClinVar contains an entry for this variant (Variation ID: 3112950). Invitae Evidence Modeling of protein sequence and biophysical properties (such as structural, functional, and spatial information, amino acid conservation, physicochemical variation, residue mobility, and thermodynamic stability) indicates that this missense variant is not expected to disrupt KBTBD13 protein function with a negative predictive value of 80%. In summary, the available evidence is currently insufficient to determine the role of this variant in disease. Therefore, it has been classified as a Variant of Uncertain Significance.

Ambry Genetics
Classification: Uncertain significance for Inborn genetic diseases. Last evaluated: 2024-01-31. Review status: criteria provided, single submitter. Criteria: Ambry Variant Classification Scheme 2023. Collection method: clinical testing. Allele origin: germline.

NM_001101362.3(KBTBD13):c.221C>T (p.Ala74Val)

Gene: KBTBD13 (kelch repeat and BTB domain containing 13; plus strand). Cytogenetic location: 15q22.31.
Variant type: single nucleotide variant.
Coding change: c.221C>T on transcript NM_001101362.3 (MANE Select); coding-DNA position 221, C replaced by T.
Protein change: p.Ala74Val; replaces alanine 74 with valine.
Molecular consequence: missense variant.
Genome position (GRCh38, 1-based): chr15:65,077,036, C>T. VCF-style: chr15-65077036-C-T. GRCh37 (hg19) VCF-style: chr15-65369374-C-T.
Other names: short protein forms A74V.
Identifiers: ClinVar variation 3112950 (VCV003112950.2), dbSNP rs1343139084, ClinGen allele CA392858833.